The following is an entry in ClinVar:

NM_001267550.2(TTN):c.17319C>T (p.Asp5773=)

Genes: TTN (titin; minus strand), LOC126806431 (CDK7 strongly-dependent group 2 enhancer GRCh37_chr2:179595719-179596918; plus strand). Cytogenetic location: 2q31.2.
Variant type: single nucleotide variant.
Coding change: c.17319C>T on transcript NM_001267550.2 (MANE Select); coding-DNA position 17319, C replaced by T.
Protein change: p.Asp5773=; no amino-acid change (aspartic acid 5773 retained).
Molecular consequence: synonymous variant. On other transcripts: intron variant (3).
Genome position (GRCh38, 1-based): chr2:178,731,447, G>A on the plus strand (C>T on the coding strand, the complement: TTN is on the minus strand). VCF-style: chr2-178731447-G-A. GRCh37 (hg19) VCF-style: chr2-179596174-G-A.
Other names: c.16368C>T, p.Asp5456= (NM_001256850.1); c.13587C>T, p.Asp4529= (NM_133378.4); c.13282+6635C>T (NM_003319.4); c.13858+6635C>T (NM_133437.4); c.13657+6635C>T (NM_133432.3).
Identifiers: ClinVar variation 466850 (VCV000466850.24), dbSNP rs760724229, ClinGen allele CA2001860.
Genomic context (GRCh38, chr2:178,731,447, plus strand): 5'-TTCAATGCCACTGAGGTACAAACTGGCCACATTGTTCTCAAAGGTCATTCTTATATTATC[G>A]TCTTCAGTGATTTCATCGCTGTCTTTTAGCCAAGTCACCGTAATTGGCAAGGAGCCCTTC-3'
Protein context (NP_001254479.2, residues 5763-5783): WLKDSDEITE[Asp5773=]DNIRMTFENN

ClinVar aggregate classification (germline): Conflicting classifications of pathogenicity. Review status: criteria provided, conflicting classifications (1 of 4 stars). 11 submissions from 8 submitters: Uncertain significance (1); Benign (5); Likely benign (2). 3 of the submissions do not count toward it. Last evaluated 2026-09-01.

Conditions:
TTN-related disorder. Also called: TTN-related disorders; TTN-related condition; TTN-related disease.
Dilated cardiomyopathy 1G (CMD1G). Identifiers: Orphanet 154, MedGen C1858763, MONDO:0011400, OMIM 604145.
Autosomal recessive limb-girdle muscular dystrophy type 2J (LGMDR10). Also called: Limb-girdle muscular dystrophy, type 2J; MUSCULAR DYSTROPHY, LIMB-GIRDLE, AUTOSOMAL RECESSIVE 10. Identifiers: Orphanet 140922, MedGen C1837342, MONDO:0012127, OMIM 608807.
Cardiomyopathy (CMYO). Also called: Cardiomyopathies. Identifiers: Orphanet 167848, MedGen C0878544, MONDO:0004994, HP:0001638. Inheritance: Various modes of inheritance.
Tibial muscular dystrophy (TMD). Also called: Udd Distal Myopathy – Tibial Muscular Dystrophy; Tibial muscular dystrophy, tardive; UDD MYOPATHY. Identifiers: Orphanet 609, MedGen C1838244, MONDO:0010870, OMIM 600334.
Myopathy, myofibrillar, 9, with early respiratory failure (MFM9). Also called: EDSTROM MYOPATHY; MYOPATHY, PROXIMAL, WITH EARLY RESPIRATORY MUSCLE INVOLVEMENT; Hereditary myopathy with early respiratory failure; Myopathy, distal, with early respiratory failure, autosomal dominant. Identifiers: Orphanet 178464, Orphanet 34521, MedGen C1863599, MONDO:0011362, OMIM 603689.
Early-onset myopathy with fatal cardiomyopathy (CMYO5). Also called: CONGENITAL MYOPATHY 5 WITH CARDIOMYOPATHY; Salih Myopathy. Identifiers: Orphanet 289377, MedGen C2673677, MONDO:0012714, OMIM 611705. Disease mechanism: loss of function.

Allele frequency attached by ClinVar (database versions not stated): gnomAD 0.00002 and 0.00003; TOPMed 0.00002; gnomAD exomes 0.00004; ExAC 0.00007.
gnomAD v4.1: 59 of 1,613,508 alleles (0.0037%); highest among the groups gnomAD compares: South Asian, 0.049%; no homozygotes.

Submissions (11):

CeGaT Center for Human Genetics Tuebingen
Classification: Likely benign. Last evaluated: 2026-09-01. Review status: criteria provided, single submitter. Criteria: CeGaT Center For Human Genetics Tuebingen Variant Classification Criteria Version 2. Collection method: clinical testing. Allele origin: germline. Affected: yes. Observed: 1 variant allele.
Comment: TTN: BP4, BP7

Labcorp Genetics (formerly Invitae), Labcorp
Classification: Likely benign for Dilated cardiomyopathy 1G; Autosomal recessive limb-girdle muscular dystrophy type 2J. Last evaluated: 2025-11-16. Review status: criteria provided, single submitter. Criteria: Invitae Variant Classification Sherloc (09022015). Collection method: clinical testing. Allele origin: germline.

Revvity Omics, Revvity
Classification: Uncertain significance. Last evaluated: 2022-02-14. Review status: criteria provided, single submitter. Criteria: ACMG Guidelines, 2015. Collection method: clinical testing. Allele origin: germline.

Genome-Nilou Lab
Classification: Benign for Autosomal recessive limb-girdle muscular dystrophy type 2J. Last evaluated: 2021-09-10. Review status: criteria provided, single submitter. Criteria: ACMG Guidelines, 2015. Collection method: clinical testing. Allele origin: germline. Affected: no.

Genome-Nilou Lab
Classification: Benign for Myopathy, myofibrillar, 9, with early respiratory failure. Last evaluated: 2021-09-10. Review status: criteria provided, single submitter. Criteria: ACMG Guidelines, 2015. Collection method: clinical testing. Allele origin: germline. Affected: no.

Genome-Nilou Lab
Classification: Benign for Early-onset myopathy with fatal cardiomyopathy. Last evaluated: 2021-09-10. Review status: criteria provided, single submitter. Criteria: ACMG Guidelines, 2015. Collection method: clinical testing. Allele origin: germline. Affected: no.

Genome-Nilou Lab
Classification: Benign for Tibial muscular dystrophy. Last evaluated: 2021-09-10. Review status: criteria provided, single submitter. Criteria: ACMG Guidelines, 2015. Collection method: clinical testing. Allele origin: germline. Affected: no.

CHEO Genetics Diagnostic Laboratory, Children's Hospital of Eastern Ontario
Classification: Benign for Cardiomyopathy. Last evaluated: 2017-11-28. Review status: criteria provided, single submitter. Criteria: ACMG Guidelines, 2015. Collection method: clinical testing. Allele origin: germline.

PreventionGenetics, part of Exact Sciences
Classification: Likely benign for TTN-related condition. Last evaluated: 2019-06-11. Review status: no assertion criteria provided. Collection method: clinical testing. Allele origin: germline. Not counted in ClinVar's aggregate classification.
Comment: This variant is classified as likely benign based on ACMG/AMP sequence variant interpretation guidelines (Richards et al. 2015 PMID: 25741868, with internal and published modifications).

Clinical Genetics, Academic Medical Center
Classification: Benign. Review status: no assertion criteria provided. Collection method: clinical testing. Allele origin: germline. Affected: yes. Study: VKGL Data-share Consensus. Not counted in ClinVar's aggregate classification.

Diagnostic Laboratory, Department of Genetics, University Medical Center Groningen
Classification: Likely benign. Review status: no assertion criteria provided. Collection method: clinical testing. Allele origin: germline. Affected: yes. Study: VKGL Data-share Consensus. Not counted in ClinVar's aggregate classification.